The following is an entry in ClinVar:

NM_017617.5(NOTCH1):c.4130C>T (p.Pro1377Leu)

Gene: NOTCH1 (notch receptor 1; minus strand). Cytogenetic location: 9q34.3.
Variant type: single nucleotide variant.
Coding change: c.4130C>T on transcript NM_017617.5 (MANE Select); coding-DNA position 4130, C replaced by T.
Protein change: p.Pro1377Leu; replaces proline 1377 with leucine.
Molecular consequence: missense variant.
Genome position (GRCh38, 1-based): chr9:136,505,766, G>A on the plus strand (C>T on the coding strand, the complement: NOTCH1 is on the minus strand). VCF-style: chr9-136505766-G-A. GRCh37 (hg19) VCF-style: chr9-139400218-G-A.
Other names: short protein forms P1377L.
Identifiers: ClinVar variation 1023930 (VCV001023930.8), dbSNP rs1843073620, ClinGen allele CA375649639.

ClinVar aggregate classification (germline): Uncertain significance (1 of 4 stars; one submission).

Conditions:
Adams-Oliver syndrome 5 (AOS5). Identifiers: Orphanet 974, MedGen C4014970, MONDO:0014459, OMIM 616028.

Allele frequency attached by ClinVar (database versions not stated): gnomAD exomes below 0.00001.
gnomAD v4.1: 5 of 1,585,334 alleles (0.00032%); highest among the groups gnomAD compares: Non-Finnish European, 0.00043%; no homozygotes.

Submission:

Labcorp Genetics (formerly Invitae), Labcorp
Classification: Uncertain significance for Adams-Oliver syndrome 5. Last evaluated: 2026-01-27. Review status: criteria provided, single submitter. Criteria: Invitae Variant Classification Sherloc (09022015). Collection method: clinical testing. Allele origin: germline.
Comment: This sequence change replaces proline, which is neutral and non-polar, with leucine, which is neutral and non-polar, at codon 1377 of the NOTCH1 protein (p.Pro1377Leu). This variant is not present in population databases (gnomAD no frequency). This variant has not been reported in the literature in individuals affected with NOTCH1-related conditions. ClinVar contains an entry for this variant (Variation ID: 1023930). Invitae Evidence Modeling of protein sequence and biophysical properties (such as structural, functional, and spatial information, amino acid conservation, physicochemical variation, residue mobility, and thermodynamic stability) indicates that this missense variant is not expected to disrupt NOTCH1 protein function with a negative predictive value of 80%. In summary, the available evidence is currently insufficient to determine the role of this variant in disease. Therefore, it has been classified as a Variant of Uncertain Significance.